The following is an entry in ClinVar:

ClinVar aggregate classification (germline): Uncertain significance (1 of 4 stars; one submission).

Allele frequency attached by ClinVar (database versions not stated): ExAC 0.00002.
gnomAD v4.1: 6 of 1,613,958 alleles (0.00037%); highest among the groups gnomAD compares: African/African-American, 0.0013%; no homozygotes.

Submission:

Labcorp Genetics (formerly Invitae), Labcorp
Classification: Uncertain significance. Last evaluated: 2024-01-29. Review status: criteria provided, single submitter. Criteria: Invitae Variant Classification Sherloc (09022015). Collection method: clinical testing. Allele origin: germline.
Comment: This sequence change replaces aspartic acid, which is acidic and polar, with histidine, which is basic and polar, at codon 673 of the MYO3A protein (p.Asp673His). This variant is present in population databases (rs749264627, gnomAD 0.003%). This variant has not been reported in the literature in individuals affected with MYO3A-related conditions. Advanced modeling of protein sequence and biophysical properties (such as structural, functional, and spatial information, amino acid conservation, physicochemical variation, residue mobility, and thermodynamic stability) performed at Invitae indicates that this missense variant is not expected to disrupt MYO3A protein function with a negative predictive value of 80%. In summary, the available evidence is currently insufficient to determine the role of this variant in disease. Therefore, it has been classified as a Variant of Uncertain Significance.

NM_017433.5(MYO3A):c.2017G>C (p.Asp673His)

Gene: MYO3A (myosin IIIA; plus strand). Cytogenetic location: 10p12.1.
Variant type: single nucleotide variant.
Coding change: c.2017G>C on transcript NM_017433.5 (MANE Select); coding-DNA position 2017, G replaced by C.
Protein change: p.Asp673His; replaces aspartic acid 673 with histidine.
Molecular consequence: missense variant.
Genome position (GRCh38, 1-based): chr10:26,125,511, G>C. VCF-style: chr10-26125511-G-C. GRCh37 (hg19) VCF-style: chr10-26414440-G-C.
Other names: short protein forms D673H.
Identifiers: ClinVar variation 3000684 (VCV003000684.3), dbSNP rs749264627, ClinGen allele CA5444845.